The following is an entry in ClinVar:

NM_001379291.1(BRD4):c.3194C>G (p.Pro1065Arg)

Gene: BRD4 (bromodomain containing 4; minus strand). Cytogenetic location: 19p13.12.
Variant type: single nucleotide variant.
Coding change: c.3194C>G on transcript NM_001379291.1 (MANE Select); coding-DNA position 3194, C replaced by G.
Protein change: p.Pro1065Arg; replaces proline 1065 with arginine.
Molecular consequence: missense variant.
Genome position (GRCh38, 1-based): chr19:15,239,998, G>C on the plus strand (C>G on the coding strand, the complement: BRD4 is on the minus strand). VCF-style: chr19-15239998-G-C. GRCh37 (hg19) VCF-style: chr19-15350809-G-C.
Other names: c.3194C>G, p.Pro1065Arg (NM_058243.3); short protein forms P1065R.
Identifiers: ClinVar variation 4733820 (VCV004733820.1).

ClinVar aggregate classification (germline): Uncertain significance (1 of 4 stars; one submission).

Submission:

Labcorp Genetics (formerly Invitae), Labcorp
Classification: Uncertain significance. Last evaluated: 2025-12-21. Review status: criteria provided, single submitter. Criteria: Invitae Variant Classification Sherloc (09022015). Collection method: clinical testing. Allele origin: germline.
Comment: This sequence change replaces proline, which is neutral and non-polar, with arginine, which is basic and polar, at codon 1065 of the BRD4 protein (p.Pro1065Arg). This variant is not present in population databases (gnomAD no frequency). This variant has not been reported in the literature in individuals affected with BRD4-related conditions. An algorithm developed to predict the effect of missense changes on protein structure and function (PolyPhen-2) suggests that this variant is likely to be disruptive. In summary, the available evidence is currently insufficient to determine the role of this variant in disease. Therefore, it has been classified as a Variant of Uncertain Significance.